The following is an entry in ClinVar:

NM_018260.3(ZNF701):c.502A>G (p.Ile168Val)

Genes: ZNF701-ZNF137P (ZNF701-ZNF137P readthrough; plus strand), ZNF701 (zinc finger protein 701; plus strand). Cytogenetic location: 19q13.41.
Variant type: single nucleotide variant.
Coding change: c.502A>G on transcript NM_018260.3 (MANE Select); coding-DNA position 502, A replaced by G.
Protein change: p.Ile168Val; replaces isoleucine 168 with valine.
Molecular consequence: missense variant.
Genome position (GRCh38, 1-based): chr19:52,582,561, A>G. VCF-style: chr19-52582561-A-G. GRCh37 (hg19) VCF-style: chr19-53085814-A-G.
Other names: c.700A>G, p.Ile234Val (NM_001172655.1); short protein forms I168V, I234V.
Identifiers: ClinVar variation 2208663 (VCV002208663.4), dbSNP rs144955640, ClinGen allele CA9625740.

ClinVar aggregate classification (germline): Uncertain significance (1 of 4 stars; one submission).

Allele frequency attached by ClinVar (database versions not stated): gnomAD 0.00004; gnomAD exomes 0.00005; TOPMed 0.00005; ExAC 0.00009; ESP Exome Variant Server 0.00015.

Submission:

Ambry Genetics
Classification: Uncertain significance. Last evaluated: 2026-08-12. Review status: criteria provided, single submitter. Criteria: Ambry Variant Classification Scheme 2023. Collection method: clinical testing. Allele origin: germline.
Comment: The c.700A>G (p.I234V) alteration is located in exon 5 (coding exon 4) of the ZNF701 gene. This alteration results from a A to G substitution at nucleotide position 700, causing the isoleucine (I) at amino acid position 234 to be replaced by a valine (V). Based on data from gnomAD, the G allele has an overall frequency of 0.006% (17/282806) total alleles studied. The highest observed frequency was 0.014% (1/7226) of Other alleles. Based on insufficient or conflicting evidence, the clinical significance of this alteration remains unclear.